The following is an entry in ClinVar:

ClinVar aggregate classification (germline): Uncertain significance (1 of 4 stars; one submission).

Submission:

GeneDx
Classification: Uncertain significance. Last evaluated: 2026-02-18. Review status: criteria provided, single submitter. Criteria: GeneDx Variant Classification Process June 2021. Collection method: clinical testing. Allele origin: germline.
Comment: Not observed at significant frequency in large population cohorts (gnomAD); In silico analysis supports that this missense variant has a deleterious effect on protein structure/function; Has not been previously published as pathogenic or benign to our knowledge

NM_001145809.2(MYH14):c.1415A>G (p.Asp472Gly)

Gene: MYH14 (myosin heavy chain 14; plus strand). Cytogenetic location: 19q13.33.
Variant type: single nucleotide variant.
Coding change: c.1415A>G on transcript NM_001145809.2 (MANE Select); coding-DNA position 1415, A replaced by G.
Protein change: p.Asp472Gly; replaces aspartic acid 472 with glycine.
Molecular consequence: missense variant.
Genome position (GRCh38, 1-based): chr19:50,249,072, A>G. VCF-style: chr19-50249072-A-G. GRCh37 (hg19) VCF-style: chr19-50752329-A-G.
Other names: c.1415A>G, p.Asp472Gly (NM_001077186.2); c.1391A>G, p.Asp464Gly (NM_024729.4); short protein forms D464G, D472G.
Identifiers: ClinVar variation 5009762 (VCV005009762.1).